The following is an entry in ClinVar:

NM_000321.3(RB1):c.1054del (p.Glu352fs)

Gene: RB1 (RB transcriptional corepressor 1; plus strand). Cytogenetic location: 13q14.2.
Variant type: Deletion.
Coding change: c.1054del on transcript NM_000321.3 (MANE Select); coding-DNA position 1054, one base deleted (G; older notation c.1054delG).
Protein change: p.Glu352fs; shifts the reading frame from glutamic acid 352.
Molecular consequence: frameshift variant.
Genome position (GRCh38, 1-based): chr13:48,368,531, G deleted. VCF-style (leftmost placement, unchanged base first): chr13-48368530-TG-T. GRCh37 (hg19) VCF-style: chr13-48942666-TG-T.
Other names: short protein forms E352fs.
Identifiers: ClinVar variation 941387 (VCV000941387.7), dbSNP rs1952726482, ClinGen allele CA1139663284.

ClinVar aggregate classification (germline): Pathogenic (1 of 4 stars; one submission).

Conditions:
Retinoblastoma (RB1). Also called: RETINOBLASTOMA, SOMATIC. Identifiers: Orphanet 790, MedGen C0035335, MeSH D012175, MONDO:0008380, OMIM 180200, HP:0009919. Disease mechanism: loss of function. Inheritance: Both sporadic and heritable forms are tested..

Submission:

Labcorp Genetics (formerly Invitae), Labcorp
Classification: Pathogenic for Retinoblastoma. Last evaluated: 2023-07-17. Review status: criteria provided, single submitter. Criteria: Invitae Variant Classification Sherloc (09022015). Collection method: clinical testing. Allele origin: germline.
Comment: For these reasons, this variant has been classified as Pathogenic. ClinVar contains an entry for this variant (Variation ID: 941387). This variant has not been reported in the literature in individuals affected with RB1-related conditions. This variant is not present in population databases (gnomAD no frequency). This sequence change creates a premature translational stop signal (p.Glu352Lysfs*15) in the RB1 gene. It is expected to result in an absent or disrupted protein product. Loss-of-function variants in RB1 are known to be pathogenic (PMID: 17096365).

Literature cited by the submitters: PubMed 17096365.